The following is an entry in ClinVar:

ClinVar aggregate classification (germline): Uncertain significance. Review status: criteria provided, multiple submitters, no conflicts (2 of 4 stars). 3 submissions from 3 submitters: Uncertain significance (3). Last evaluated 2024-08-01.

Conditions:
Progressive external ophthalmoplegia with mitochondrial DNA deletions, autosomal dominant 2. Also called: PROGRESSIVE EXTERNAL OPHTHALMOPLEGIA, AUTOSOMAL DOMINANT 2. Identifiers: MedGen C1836460, MONDO:0012238, OMIM 609283.
Mitochondrial DNA depletion syndrome 12A (cardiomyopathic type), autosomal dominant. Also called: Mitochondrial DNA depletion syndrome 12A (cardiomyopathic type) AD. Identifiers: MedGen C4310676, MONDO:0014959, OMIM 617184.
Mitochondrial DNA depletion syndrome 12B (cardiomyopathic type), autosomal recessive. Also called: Mitochondrial DNA depletion syndrome 12B (cardiomyopathic type) AR. Identifiers: Orphanet 1369, MedGen C3809443, MONDO:0014175, OMIM 615418.

Allele frequency attached by ClinVar (database versions not stated): gnomAD 0.00002; gnomAD exomes 0.00002; TOPMed 0.00003; ExAC 0.00004; ESP Exome Variant Server 0.00008.

Submissions (3):

Labcorp Genetics (formerly Invitae), Labcorp
Classification: Uncertain significance. Last evaluated: 2024-08-01. Review status: criteria provided, single submitter. Criteria: Invitae Variant Classification Sherloc (09022015). Collection method: clinical testing. Allele origin: germline.
Comment: This sequence change replaces arginine, which is basic and polar, with serine, which is neutral and polar, at codon 111 of the SLC25A4 protein (p.Arg111Ser). This variant is present in population databases (rs375543860, gnomAD 0.03%). This variant has not been reported in the literature in individuals affected with SLC25A4-related conditions. ClinVar contains an entry for this variant (Variation ID: 1308141). Advanced modeling of protein sequence and biophysical properties (such as structural, functional, and spatial information, amino acid conservation, physicochemical variation, residue mobility, and thermodynamic stability) performed at Invitae indicates that this missense variant is not expected to disrupt SLC25A4 protein function with a negative predictive value of 80%. In summary, the available evidence is currently insufficient to determine the role of this variant in disease. Therefore, it has been classified as a Variant of Uncertain Significance.

Fulgent Genetics
Classification: Uncertain significance for Progressive external ophthalmoplegia with mitochondrial DNA deletions, autosomal dominant 2; Mitochondrial DNA depletion syndrome 12B (cardiomyopathic type), autosomal recessive; Mitochondrial DNA depletion syndrome 12A (cardiomyopathic type), autosomal dominant. Last evaluated: 2021-10-08. Review status: criteria provided, single submitter. Criteria: ACMG Guidelines, 2015. Collection method: clinical testing. Allele origin: unknown.

GeneDx
Classification: Uncertain significance. Last evaluated: 2019-09-04. Review status: criteria provided, single submitter. Criteria: GeneDx Variant Classification Process June 2021. Collection method: clinical testing. Allele origin: germline. Affected: yes.
Comment: Not observed at a significant frequency in large population cohorts (Lek et al., 2016); In silico analysis, which includes protein predictors and evolutionary conservation, supports a deleterious effect; Has not been previously published as pathogenic or benign to our knowledge

NM_001151.4(SLC25A4):c.331C>A (p.Arg111Ser)

Gene: SLC25A4 (solute carrier family 25 member 4; plus strand). Cytogenetic location: 4q35.1.
Variant type: single nucleotide variant.
Coding change: c.331C>A on transcript NM_001151.4 (MANE Select); coding-DNA position 331, C replaced by A.
Protein change: p.Arg111Ser; replaces arginine 111 with serine.
Molecular consequence: missense variant.
Genome position (GRCh38, 1-based): chr4:185,144,983, C>A. VCF-style: chr4-185144983-C-A. GRCh37 (hg19) VCF-style: chr4-186066137-C-A.
Other names: short protein forms R111S.
Identifiers: ClinVar variation 1308141 (VCV001308141.8), dbSNP rs375543860, ClinGen allele CA3156450.
Genomic context (GRCh38, chr4:185,144,983, plus strand): 5'-TTCAAGGACAAGTACAAGCAGCTCTTCTTAGGGGGTGTGGATCGGCATAAGCAGTTCTGG[C>A]GCTACTTTGCTGGTAACCTGGCGTCCGGTGGGGCCGCTGGGGCCACCTCCCTTTGCTTTG-3'
Protein context (NP_001142.2, residues 101-121): GGVDRHKQFW[Arg111Ser]YFAGNLASGG